The following is an entry in ClinVar:

ClinVar aggregate classification (germline): Uncertain significance. Review status: criteria provided, multiple submitters, no conflicts (2 of 4 stars). 3 submissions from 3 submitters: Uncertain significance (3). Last evaluated 2025-08-20.

Conditions:
Hereditary cancer-predisposing syndrome. Also called: Hereditary Cancer Syndrome; Hereditary neoplastic syndrome; Tumor predisposition; Neoplastic Syndromes, Hereditary. Identifiers: Orphanet 140162, MedGen C0027672, MeSH D009386, MONDO:0015356.
Basal cell carcinoma, susceptibility to, 1. Also called: BCC1. Identifiers: MedGen C2751544, MONDO:0011556, OMIM 605462.
Gorlin syndrome. Also called: Basal cell nevus syndrome; Nevoid Basal Cell Carcinoma Syndrome. Identifiers: Orphanet 377, MedGen C0004779, MONDO:0007187.

Submissions (3):

Ambry Genetics
Classification: Uncertain significance for Hereditary cancer-predisposing syndrome. Last evaluated: 2025-08-20. Review status: criteria provided, single submitter. Criteria: Ambry Variant Classification Scheme 2023. Collection method: clinical testing. Allele origin: germline.
Comment: The p.E524A variant (also known as c.1571A>C), located in coding exon 11 of the PTCH1 gene, results from an A to C substitution at nucleotide position 1571. The glutamic acid at codon 524 is replaced by alanine, an amino acid with dissimilar properties. This amino acid position is conserved. In addition, this alteration is predicted to be deleterious by in silico analysis. Based on the available evidence, the clinical significance of this variant remains unclear.

Baylor Genetics
Classification: Uncertain significance for Basal cell carcinoma, susceptibility to, 1. Last evaluated: 2023-09-23. Review status: criteria provided, single submitter. Criteria: ACMG Guidelines, 2015. Collection method: clinical testing. Allele origin: unknown.

Labcorp Genetics (formerly Invitae), Labcorp
Classification: Uncertain significance for Gorlin syndrome. Last evaluated: 2021-06-15. Review status: criteria provided, single submitter. Criteria: Invitae Variant Classification Sherloc (09022015). Collection method: clinical testing. Allele origin: germline.
Comment: This variant has not been reported in the literature in individuals with PTCH1-related conditions. This sequence change replaces glutamic acid with alanine at codon 524 of the PTCH1 protein (p.Glu524Ala). The glutamic acid residue is highly conserved and there is a moderate physicochemical difference between glutamic acid and alanine. This variant is not present in population databases (ExAC no frequency). Advanced modeling of protein sequence and biophysical properties (such as structural, functional, and spatial information, amino acid conservation, physicochemical variation, residue mobility, and thermodynamic stability) performed at Invitae indicates that this missense variant is not expected to disrupt PTCH1 protein function. In summary, the available evidence is currently insufficient to determine the role of this variant in disease. Therefore, it has been classified as a Variant of Uncertain Significance.

NM_000264.5(PTCH1):c.1571A>C (p.Glu524Ala)

Gene: PTCH1 (patched 1; minus strand). Cytogenetic location: 9q22.32.
Variant type: single nucleotide variant.
Coding change: c.1571A>C on transcript NM_000264.5 (MANE Select); coding-DNA position 1571, A replaced by C.
Protein change: p.Glu524Ala; replaces glutamic acid 524 with alanine.
Molecular consequence: missense variant. On other transcripts: non-coding transcript variant (1).
Genome position (GRCh38, 1-based): chr9:95,476,790, T>G on the plus strand (A>C on the coding strand, the complement: PTCH1 is on the minus strand). VCF-style: chr9-95476790-T-G. GRCh37 (hg19) VCF-style: chr9-98239072-T-G.
Other names: c.1571A>C (NM_000264.3); c.1373A>C, p.Glu458Ala (NM_001083602.3); c.1568A>C, p.Glu523Ala (NM_001083603.3); c.1118A>C, p.Glu373Ala (NM_001083604.3, NM_001083605.3, NM_001083606.3 and 1 more transcripts); c.1415A>C, p.Glu472Ala (NM_001354918.2); short protein forms E373A, E458A, E523A, E472A, E524A.
Identifiers: ClinVar variation 1361406 (VCV001361406.10), dbSNP rs2118281472, ClinGen allele CA374118215.